The following is an entry in ClinVar:

ClinVar aggregate classification (germline): Uncertain significance (1 of 4 stars; one submission).

gnomAD v4.1: 2 of 1,175,628 alleles (0.00017%); highest among the groups gnomAD compares: Non-Finnish European, 0.00023%; no homozygotes.

Submission:

GeneDx
Classification: Uncertain significance. Last evaluated: 2022-12-27. Review status: criteria provided, single submitter. Criteria: GeneDx Variant Classification Process June 2021. Collection method: clinical testing. Allele origin: germline. Affected: yes.
Comment: In silico analysis supports that this missense variant does not alter protein structure/function; Not observed at significant frequency in large population cohorts (gnomAD); Has not been previously published as pathogenic or benign to our knowledge

NM_000475.5(NR0B1):c.478C>G (p.Pro160Ala)

Gene: NR0B1 (nuclear receptor subfamily 0 group B member 1; minus strand). Cytogenetic location: Xp21.2.
Variant type: single nucleotide variant.
Coding change: c.478C>G on transcript NM_000475.5 (MANE Select); coding-DNA position 478, C replaced by G.
Protein change: p.Pro160Ala; replaces proline 160 with alanine.
Molecular consequence: missense variant.
Genome position (GRCh38, 1-based): chrX:30,308,886, G>C on the plus strand (C>G on the coding strand, the complement: NR0B1 is on the minus strand). VCF-style: chrX-30308886-G-C. GRCh37 (hg19) VCF-style: chrX-30327003-G-C.
Other names: short protein forms P160A.
Identifiers: ClinVar variation 2571697 (VCV002571697.1), dbSNP rs1009809739, ClinGen allele CA412548671.